The following is an entry in ClinVar:

NM_004656.4(BAP1):c.909A>G (p.Ala303=)

Gene: BAP1 (BRCA1 associated deubiquitinase 1; minus strand). Cytogenetic location: 3p21.1.
Variant type: single nucleotide variant.
Coding change: c.909A>G on transcript NM_004656.4 (MANE Select); coding-DNA position 909, A replaced by G.
Protein change: p.Ala303=; no amino-acid change (alanine 303 retained).
Molecular consequence: synonymous variant.
Genome position (GRCh38, 1-based): chr3:52,405,787, T>C on the plus strand (A>G on the coding strand, the complement: BAP1 is on the minus strand). VCF-style: chr3-52405787-T-C. GRCh37 (hg19) VCF-style: chr3-52439803-T-C.
Other names: c.855A>G, p.Ala285= (NM_001410772.1).
Identifiers: ClinVar variation 3379121 (VCV003379121.1).

ClinVar aggregate classification (germline): Benign (1 of 4 stars; one submission).

Conditions:
BAP1-related tumor predisposition syndrome (TPDS1). Also called: BAP1 tumor predisposition syndrome; Tumor susceptibility linked to germline BAP1 mutations; COMMON Syndrome; TUMOR PREDISPOSITION SYNDROME 1. Identifiers: Orphanet 289539, MedGen C3280492, MONDO:0013692, OMIM 614327.

Submission:

Myriad Genetics, Inc.
Classification: Benign for BAP1-related tumor predisposition syndrome. Last evaluated: 2024-07-15. Review status: criteria provided, single submitter. Criteria: Myriad Autosomal Dominant, Autosomal Recessive and X-Linked Classification Criteria (2023). Collection method: clinical testing. Allele origin: unknown.
Comment: This variant is considered benign. This variant is a silent/synonymous amino acid change and it is not expected to impact splicing.